The following is an entry in ClinVar:

ClinVar aggregate classification (germline): Uncertain significance (1 of 4 stars; one submission).

Allele frequency attached by ClinVar (database versions not stated): gnomAD exomes below 0.00001; ExAC 0.00001.
gnomAD v4.1: 3 of 1,611,024 alleles (0.00019%); highest among the groups gnomAD compares: Non-Finnish European, 0.00025%; no homozygotes.

Submission:

ARUP Laboratories, Molecular Genetics and Genomics, ARUP Laboratories
Classification: Uncertain significance. Last evaluated: 2023-09-15. Review status: criteria provided, single submitter. Criteria: ARUP Molecular Germline Variant Investigation Process 2024. Collection method: clinical testing. Allele origin: germline.
Comment: The TTN c.32191C>A; p.His10731Asn variant (rs749567305) is rare in the general population (<0.2% allele frequency in the Genome Aggregation Database) and has not been reported in the medical literature in association with dilated cardiomyopathy (DCM) or other TTN-related disease. The clinical relevance of rare missense variants in this gene, which are identified on average once per individual sequenced in affected populations (Herman 2012), is not well understood. Yet, evidence suggests that the vast majority of such missense variants do not contribute to the clinical outcome of DCM (Begay 2015). Thus, the clinical significance of the p.His10731Asn variant cannot be determined with certainty.

NM_001267550.2(TTN):c.32191C>A (p.His10731Asn)

Gene: TTN (titin; minus strand). Cytogenetic location: 2q31.2.
Variant type: single nucleotide variant.
Coding change: c.32191C>A on transcript NM_001267550.2 (MANE Select); coding-DNA position 32191, C replaced by A.
Protein change: p.His10731Asn; replaces histidine 10731 with asparagine.
Molecular consequence: missense variant. On other transcripts: intron variant (3).
Genome position (GRCh38, 1-based): chr2:178,688,683, G>T on the plus strand (C>A on the coding strand, the complement: TTN is on the minus strand). VCF-style: chr2-178688683-G-T. GRCh37 (hg19) VCF-style: chr2-179553410-G-T.
Other names: c.31240C>A, p.His10414Asn (NM_001256850.1); c.28459C>A, p.His9487Asn (NM_133378.4); c.13283-46366C>A (NM_003319.4); c.13859-46366C>A (NM_133437.4); c.13658-46366C>A (NM_133432.3); short protein forms H10414N, H10731N, H9487N.
Identifiers: ClinVar variation 2921060 (VCV002921060.1), dbSNP rs749567305, ClinGen allele CA1998709.